The following is an entry in ClinVar:

NM_006393.3(NEBL):c.1008+76C>T

Gene: NEBL (nebulette; minus strand). Cytogenetic location: 10p12.31.
Variant type: single nucleotide variant.
Coding change: c.1008+76C>T on transcript NM_006393.3 (MANE Select); 76 bases into the intron after coding-DNA position 1008, C replaced by T.
Molecular consequence: intron variant.
Genome position (GRCh38, 1-based): chr10:20,852,469, G>A on the plus strand (C>T on the coding strand, the complement: NEBL is on the minus strand). VCF-style: chr10-20852469-G-A. GRCh37 (hg19) VCF-style: chr10-21141398-G-A.
Other names: c.250-39529C>T (NM_001377326.1, NM_001377327.1, NM_001377328.1); c.358-39529C>T (NM_213569.2, NM_001173484.2, NM_001377322.1); c.301-39529C>T (NM_001377324.1); c.292-39529C>T (NM_001377325.1); c.310-39529C>T (NM_001377323.1).
Identifiers: ClinVar variation 675351 (VCV000675351.2), dbSNP rs41277372, ClinGen allele CA204181018.

ClinVar aggregate classification (germline): Likely benign. Review status: criteria provided, multiple submitters, no conflicts (2 of 4 stars). 2 submissions from 2 submitters: Likely benign (2). Last evaluated 2018-06-14.

Allele frequency attached by ClinVar (database versions not stated): 1000 Genomes Project 0.01198; 1000 Genomes Project 30x 0.01280; TOPMed 0.02690; gnomAD 0.02982 and 0.03061.
gnomAD v4.1: 32,718 of 900,516 alleles (3.6%); highest among the groups gnomAD compares: Non-Finnish European, 4.8%; 747 homozygotes.

Submissions (2):

GeneDx
Classification: Likely benign. Last evaluated: 2018-06-14. Review status: criteria provided, single submitter. Criteria: GeneDx Variant Classification (06012015). Collection method: clinical testing. Allele origin: germline. Affected: yes.
Comment: This variant is considered likely benign or benign based on one or more of the following criteria: it is a conservative change, it occurs at a poorly conserved position in the protein, it is predicted to be benign by multiple in silico algorithms, and/or has population frequency not consistent with disease.

Breakthrough Genomics
Classification: Likely benign. Review status: criteria provided, single submitter. Criteria: ACMG Guidelines, 2015. Collection method: not provided. Allele origin: germline. Inheritance: Unknown mechanism. Affected: yes.